The following is an entry in ClinVar:

ClinVar aggregate classification (germline): Likely benign (0 of 4 stars; one submission).

Conditions:
FILIP1L-related disorder. Also called: FILIP1L-related condition.

Allele frequency attached by ClinVar (database versions not stated): TOPMed 0.00008; gnomAD 0.00035; gnomAD exomes 0.00055; ExAC 0.00130; 1000 Genomes Project 30x 0.00234; 1000 Genomes Project 0.00280.
gnomAD v4.1: 851 of 1,614,004 alleles (0.053%); highest among the groups gnomAD compares: South Asian, 0.88%; 9 homozygotes.

Submission:

PreventionGenetics, part of Exact Sciences
Classification: Likely benign for FILIP1L-related condition. Last evaluated: 2019-02-23. Review status: no assertion criteria provided. Collection method: clinical testing. Allele origin: germline.
Comment: This variant is classified as likely benign based on ACMG/AMP sequence variant interpretation guidelines (Richards et al. 2015 PMID: 25741868, with internal and published modifications).

NM_001387850.1(FILIP1L):c.1221G>A (p.Thr407=)

Genes: CMSS1 (cms1 ribosomal small subunit homolog; plus strand), FILIP1L (filamin A interacting protein 1 like; minus strand), LOC105374010 (uncharacterized LOC105374010; plus strand). Cytogenetic location: 3q12.1.
Variant type: single nucleotide variant.
Coding change: c.1221G>A on transcript NM_001387850.1 (MANE Select); coding-DNA position 1221, G replaced by A.
Protein change: p.Thr407=; no amino-acid change (threonine 407 retained).
Molecular consequence: synonymous variant. On other transcripts: intron variant (3).
Genome position (GRCh38, 1-based): chr3:99,850,455, C>T on the plus strand (G>A on the coding strand, the complement: FILIP1L is on the minus strand). VCF-style: chr3-99850455-C-T. GRCh37 (hg19) VCF-style: chr3-99569299-C-T.
Other names: c.1221G>A, p.Thr407= (NM_001042459.3, NM_182909.4); c.501G>A, p.Thr167= (NM_001282794.2, NM_001370247.1, NM_001387851.1 and 1 more transcripts); c.64+32412C>T (NM_032359.4); c.606-19850G>A (NM_001387852.1); c.-24-28G>A (NM_001282793.2).
Identifiers: ClinVar variation 3045633 (VCV003045633.2), dbSNP rs538097692, ClinGen allele CA2513637.